The following is an entry in ClinVar:

NM_000553.6(WRN):c.3814C>G (p.Pro1272Ala)

Gene: WRN (WRN RecQ like helicase; plus strand). Cytogenetic location: 8p12.
Variant type: single nucleotide variant.
Coding change: c.3814C>G on transcript NM_000553.6 (MANE Select); coding-DNA position 3814, C replaced by G.
Protein change: p.Pro1272Ala; replaces proline 1272 with alanine.
Molecular consequence: missense variant.
Genome position (GRCh38, 1-based): chr8:31,154,750, C>G. VCF-style: chr8-31154750-C-G. GRCh37 (hg19) VCF-style: chr8-31012266-C-G.
Other names: short protein forms P1272A.
Identifiers: ClinVar variation 1497192 (VCV001497192.6), dbSNP rs776989868, ClinGen allele CA4705182.

ClinVar aggregate classification (germline): Uncertain significance (1 of 4 stars; one submission).

Conditions:
Werner syndrome (WRN). Identifiers: Orphanet 902, MedGen C0043119, MONDO:0010196, OMIM 277700.

Allele frequency attached by ClinVar (database versions not stated): gnomAD exomes below 0.00001; ExAC 0.00001.
gnomAD v4.1: 2 of 1,613,300 alleles (0.00012%); highest among the groups gnomAD compares: East Asian, 0.0022%; no homozygotes.

Submission:

Labcorp Genetics (formerly Invitae), Labcorp
Classification: Uncertain significance for Werner syndrome. Last evaluated: 2021-08-23. Review status: criteria provided, single submitter. Criteria: Invitae Variant Classification Sherloc (09022015). Collection method: clinical testing. Allele origin: germline.
Comment: This sequence change replaces proline with alanine at codon 1272 of the WRN protein (p.Pro1272Ala). The proline residue is weakly conserved and there is a small physicochemical difference between proline and alanine. This variant is present in population databases (rs776989868, ExAC 0.002%). This variant has not been reported in the literature in individuals affected with WRN-related conditions. Algorithms developed to predict the effect of missense changes on protein structure and function are either unavailable or do not agree on the potential impact of this missense change (SIFT: "Not Available"; PolyPhen-2: "Benign"; Align-GVGD: "Not Available"). In summary, the available evidence is currently insufficient to determine the role of this variant in disease. Therefore, it has been classified as a Variant of Uncertain Significance.